The following is an entry in ClinVar:

NM_004629.2(FANCG):c.1652_1655del (p.Tyr551fs)

Gene: FANCG (FA complementation group G; minus strand). Cytogenetic location: 9p13.3.
Variant type: Microsatellite.
Coding change: c.1652_1655del on transcript NM_004629.2 (MANE Select); coding-DNA positions 1652 to 1655, 4 bases deleted (ACTT; older notation c.1652_1655delACTT).
Protein change: p.Tyr551fs; shifts the reading frame from tyrosine 551.
Molecular consequence: frameshift variant.
Genome position (GRCh38, 1-based): chr9:35,074,476-35,074,479, AAGT deleted on the plus strand (ACTT on the coding strand, the reverse complement: FANCG is on the minus strand); deleting any 4 consecutive bases within chr9:35,074,476-35,074,483 gives the same sequence; the c. name uses the placement nearest the transcript's 3' end. VCF-style (leftmost placement, unchanged base first): chr9-35074475-AAAGT-A. GRCh37 (hg19) VCF-style: chr9-35074472-AAAGT-A.
Other names: c.1652_1655delACTT (NM_004629.2); c.1652_1655del (NM_004629.1); short protein forms Y551fs.
Identifiers: ClinVar variation 1452290 (VCV001452290.11), dbSNP rs770263417, ClinGen allele CA5039657.

ClinVar aggregate classification (germline): Pathogenic/Likely pathogenic. Review status: criteria provided, multiple submitters, no conflicts (2 of 4 stars). 5 submissions from 5 submitters: Pathogenic (3); Likely pathogenic (2). Last evaluated 2025-02-26.

Conditions:
Fanconi anemia complementation group G. Also called: Fanconi anemia group G; FANCG-Related Fanconi Anemia. Identifiers: Orphanet 84, MedGen C3469527, MONDO:0013565, OMIM 614082.
Fanconi anemia (FA). Also called: Fanconi's anemia. Identifiers: Orphanet 84, MedGen C0015625, MeSH D005199, MONDO:0019391.

Submissions (5):

Labcorp Genetics (formerly Invitae), Labcorp
Classification: Pathogenic for Fanconi anemia. Last evaluated: 2025-02-26. Review status: criteria provided, single submitter. Criteria: Invitae Variant Classification Sherloc (09022015). Collection method: clinical testing. Allele origin: germline.
Comment: This sequence change creates a premature translational stop signal (p.Tyr551Phefs*7) in the FANCG gene. It is expected to result in an absent or disrupted protein product. Loss-of-function variants in FANCG are known to be pathogenic (PMID: 12552564). This variant is present in population databases (rs770263417, gnomAD 0.007%). This variant has not been reported in the literature in individuals affected with FANCG-related conditions. ClinVar contains an entry for this variant (Variation ID: 1452290). For these reasons, this variant has been classified as Pathogenic.

Baylor Genetics
Classification: Likely pathogenic for Fanconi anemia complementation group G. Last evaluated: 2023-08-08. Review status: criteria provided, single submitter. Criteria: ACMG Guidelines, 2015. Collection method: clinical testing. Allele origin: unknown.

GeneDx
Classification: Pathogenic. Last evaluated: 2023-07-05. Review status: criteria provided, single submitter. Criteria: GeneDx Variant Classification Process June 2021. Collection method: clinical testing. Allele origin: germline. Affected: yes.
Comment: Reported in the germline of a patient with pancreatic cancer, however a second FANCG variant was not identified (Smith et al., 2016); Frameshift variant predicted to result in protein truncation or nonsense mediated decay in a gene for which loss of function is a known mechanism of disease; This variant is associated with the following publications: (PMID: 26546047)

Neuberg Centre For Genomic Medicine, NCGM
Classification: Likely pathogenic for Fanconi anemia complementation group G. Last evaluated: 2023-05-20. Review status: criteria provided, single submitter. Criteria: ACMG Guidelines, 2015. Collection method: clinical testing. Allele origin: germline. Inheritance: Autosomal recessive inheritance. Affected: yes.
Comment: The frameshift variant c.1652_1655del(p.Tyr551PhefsTer7) in FANCG gene has been submitted to ClinVar database as Pathogenic. The observed variant has allele frequency of 0.0008% in gnomAD exomes database. This variant causes a frameshift starting with codon Tyrosine 551, changes this amino acid to Phenylalanine residue, and creates a premature Stop codon at position 7 of the new reading frame, denoted p.Tyr551PhefsTer7. This variant is predicted to cause loss of normal protein function through protein truncation. Loss-of-function variants in FANCG are known to be pathogenic (Auerbach AD et. al., 2003). However, functional studies will be required to confirm the pathogenicity of the variant. For these reasons, this variant has been classified as Likely Pathogenic.

Human Genetics Section, Sidra Medicine
Classification: Pathogenic for Fanconi anemia complementation group G. Review status: criteria provided, single submitter. Criteria: ACMG Guidelines, 2015. Collection method: research. Allele origin: germline. Affected: yes.
Comment: Clarification (August 6, 2024): Franklin and VarSome were utilized as supplementary tools to predict the pathogenicity of the identified variant. Consequently, Whole Genome Sequencing (WGS) was performed, which identified the variant responsible for the observed phenotypes. We are currently preparing the publication detailing these findings, and the PubMed ID (PMID) will be provided upon its release.

Literature cited by the submitters: PubMed 12552564 (cited by Labcorp Genetics (formerly Invitae), Labcorp).